The following is an entry in ClinVar:

NM_000393.5(COL5A2):c.2614G>T (p.Ala872Ser)

Gene: COL5A2 (collagen type V alpha 2 chain; minus strand). Cytogenetic location: 2q32.2.
Variant type: single nucleotide variant.
Coding change: c.2614G>T on transcript NM_000393.5 (MANE Select); coding-DNA position 2614, G replaced by T.
Protein change: p.Ala872Ser; replaces alanine 872 with serine.
Molecular consequence: missense variant.
Genome position (GRCh38, 1-based): chr2:189,052,958, C>A on the plus strand (G>T on the coding strand, the complement: COL5A2 is on the minus strand). VCF-style: chr2-189052958-C-A. GRCh37 (hg19) VCF-style: chr2-189917684-C-A.
Other names: c.2614G>T (NM_000393.3); short protein forms A872S.
Identifiers: ClinVar variation 2723535 (VCV002723535.4), dbSNP rs764671032, ClinGen allele CA2022258.
Genomic context (GRCh38, chr2:189,052,958, plus strand): 5'-CTTGTTAACTTACATGAGGGCCAGGGGATCCTGCTAAACCTTGTGGTCCAGGAGAACCAG[C>A]ATCTCCCTTCTGTCCTGGCTCTCCAGGTTCACCTTTTACTCCAGGCTGTCCGTCAGGACC-3'
Protein context (NP_000384.2, residues 862-882): EPGEPGQKGD[Ala872Ser]GSPGPQGLAG

ClinVar aggregate classification (germline): Conflicting classifications of pathogenicity. Review status: criteria provided, conflicting classifications (1 of 4 stars). 2 submissions from 2 submitters: Uncertain significance (1); Likely benign (1). Last evaluated 2026-06-14.

Conditions:
Familial thoracic aortic aneurysm and aortic dissection (TAAD). Also called: Thoracic aortic aneurysms and dissections. Identifiers: Orphanet 91387, MedGen C4707243, MONDO:0019625.
Ehlers-Danlos syndrome, classic type, 1 (EDSCL1). Also called: EHLERS-DANLOS SYNDROME, GRAVIS TYPE; EHLERS-DANLOS SYNDROME, SEVERE CLASSIC TYPE; Ehlers-Danlos syndrome, type 1; Ehlers-Danlos Syndrome, Classic Type, COL5A1-Related; EDS I. Identifiers: MedGen C0268335, MONDO:0019567, OMIM 130000.

Allele frequency attached by ClinVar (database versions not stated): gnomAD exomes 0.00001; ExAC 0.00001; TOPMed 0.00002; gnomAD 0.00003.
gnomAD v4.1: 9 of 1,614,042 alleles (0.00056%); highest among the groups gnomAD compares: African/African-American, 0.0067%; no homozygotes.

Submissions (2):

Ambry Genetics
Classification: Uncertain significance for Familial thoracic aortic aneurysm and aortic dissection. Last evaluated: 2026-06-14. Review status: criteria provided, single submitter. Criteria: Ambry Variant Classification Scheme 2023. Collection method: clinical testing. Allele origin: germline.
Comment: The p.A872S variant (also known as c.2614G>T), located in coding exon 39 of the COL5A2 gene, results from a G to T substitution at nucleotide position 2614. The alanine at codon 872 is replaced by serine, an amino acid with similar properties. This amino acid position is conserved. In addition, the in silico prediction for this alteration is inconclusive. Based on the available evidence, the clinical significance of this variant remains unclear.

Labcorp Genetics (formerly Invitae), Labcorp
Classification: Likely benign for Ehlers-Danlos syndrome, classic type, 1. Last evaluated: 2023-03-07. Review status: criteria provided, single submitter. Criteria: Invitae Variant Classification Sherloc (09022015). Collection method: clinical testing. Allele origin: germline.